The following is an entry in ClinVar:

ClinVar aggregate classification (germline): Pathogenic (1 of 4 stars; one submission).

Conditions:
Rhabdoid tumor predisposition syndrome 2 (RTPS2). Identifiers: Orphanet 231108, Orphanet 69077, MedGen C2750074, MONDO:0013224, OMIM 613325.

Submission:

Labcorp Genetics (formerly Invitae), Labcorp
Classification: Pathogenic for Rhabdoid tumor predisposition syndrome 2. Last evaluated: 2022-12-25. Review status: criteria provided, single submitter. Criteria: Invitae Variant Classification Sherloc (09022015). Collection method: clinical testing. Allele origin: germline.
Comment: For these reasons, this variant has been classified as Pathogenic. This variant has not been reported in the literature in individuals affected with SMARCA4-related conditions. This variant is not present in population databases (gnomAD no frequency). This sequence change creates a premature translational stop signal (p.Ile352Alafs*46) in the SMARCA4 gene. It is expected to result in an absent or disrupted protein product. Loss-of-function variants in SMARCA4 are known to be pathogenic (PMID: 24658001, 24658002).

Literature cited by the submitters: PubMed 24658001; PubMed 24658002.

NM_003072.5(SMARCA4):c.1020_1053dup (p.Ile352fs)

Gene: SMARCA4 (SWI/SNF related BAF chromatin remodeling complex subunit ATPase 4; plus strand). Cytogenetic location: 19p13.2.
Variant type: Duplication.
Coding change: c.1020_1053dup on transcript NM_003072.5 (MANE Select); coding-DNA positions 1020 to 1053, 34 bases duplicated.
Protein change: p.Ile352fs; shifts the reading frame from isoleucine 352.
Molecular consequence: frameshift variant. On other transcripts: non-coding transcript variant (1).
Genome position (GRCh38, 1-based): chr19:10,987,826-10,987,859, 34 bases duplicated; duplicating any 34 consecutive bases within chr19:10,987,822-10,987,859 gives the same sequence; the c. name uses the placement nearest the transcript's 3' end. GRCh37 (hg19): chr19:11,098,502-11,098,535.
Other names: c.1020_1053dup, p.Ile352fs (NM_001128844.3, NM_001128845.2, NM_001128846.2 and 6 more transcripts); short protein forms I352fs.
Identifiers: ClinVar variation 2823980 (VCV002823980.3), dbSNP rs2514046757, ClinGen allele CA2739276470.